The following is an entry in ClinVar:

NM_000256.3(MYBPC3):c.223G>T (p.Asp75Tyr)

Gene: MYBPC3 (myosin binding protein C3; minus strand). Cytogenetic location: 11p11.2.
Variant type: single nucleotide variant.
Coding change: c.223G>T on transcript NM_000256.3 (MANE Select); coding-DNA position 223, G replaced by T.
Protein change: p.Asp75Tyr; replaces aspartic acid 75 with tyrosine.
Molecular consequence: missense variant.
Genome position (GRCh38, 1-based): chr11:47,351,308, C>A on the plus strand (G>T on the coding strand, the complement: MYBPC3 is on the minus strand). VCF-style: chr11-47351308-C-A. GRCh37 (hg19) VCF-style: chr11-47372859-C-A.
Other names: short protein forms D75Y.
Identifiers: ClinVar variation 3075194 (VCV003075194.1), dbSNP rs375471260, ClinGen allele CA380341685.

ClinVar aggregate classification (germline): Uncertain significance (1 of 4 stars; one submission).

Conditions:
Hypertrophic cardiomyopathy. Also called: HYPERTROPHIC MYOCARDIOPATHY. Identifiers: Orphanet 217569, MedGen C0007194, MeSH D002312, MONDO:0005045, HP:0001639.

gnomAD v4.1: 2 of 1,578,356 alleles (0.00013%); highest among the groups gnomAD compares: South Asian, 0.0023%; no homozygotes.

Submission:

All of Us Research Program, National Institutes of Health
Classification: Uncertain significance for Hypertrophic cardiomyopathy. Last evaluated: 2023-12-18. Review status: criteria provided, single submitter. Criteria: ACMG Guidelines, 2015. Collection method: clinical testing. Allele origin: germline. Inheritance: Autosomal dominant inheritance. Observed: 1 variant allele, 1 heterozygote.
Comment: This missense variant replaces aspartic acid with tyrosine at codon 75 of the MYBPC3 protein. Computational prediction tool indicates that this variant may have a deleterious impact on protein structure and function. To our knowledge, functional studies have not been reported for this variant. This variant has not been reported in individuals affected with MYBPC3-related disorders in the literature. This variant has been identified in 1/197134 chromosomes in the general population by the Genome Aggregation Database (gnomAD). The available evidence is insufficient to determine the role of this variant in disease conclusively. Therefore, this variant is classified as a Variant of Uncertain Significance.

This study involves interpretation of variants in research participants for the purpose of population health screening. Participant phenotype was not available at the time of variant classification. Additional details can be found in publication PMID: 35346344, PMCID: PMC8962531